The following is an entry in ClinVar:

ClinVar aggregate classification (germline): Pathogenic. Review status: reviewed by expert panel (3 of 4 stars). 4 submissions from 4 submitters: Pathogenic (1). 3 of the submissions do not count toward it. Last evaluated 2020-06-08.

Conditions:
Phenylketonuria (PKU). Also called: Phenylketonuria (PKU); FOLLING DISEASE; OLIGOPHRENIA PHENYLPYRUVICA; Phenylketonurias. Identifiers: Orphanet 716, MedGen C0031485, MONDO:0009861, OMIM 261600. Disease mechanism: loss of function.

Allele frequency attached by ClinVar (database versions not stated): ExAC 0.00001; gnomAD exomes below 0.00001 and 0.00001; gnomAD 0.00001.
gnomAD v4.1: 5 of 1,613,880 alleles (0.00031%); highest among the groups gnomAD compares: Admixed American, 0.0033%; no homozygotes.

Submissions (4):

ClinGen PAH Variant Curation Expert Panel
Classification: Pathogenic for Phenylketonuria. Last evaluated: 2020-06-08. Review status: reviewed by expert panel. Criteria: ClinGen PAH ACMG Specifications v1. Collection method: curation. Allele origin: germline. Inheritance: Autosomal recessive inheritance.
Comment: The c.830A>G (p.Tyr277Cys) variant in PAH has been reported in multiple individuals with PKU (PMID:24350308). This variant has an extremely low allele frequency (MAF=0.00006) in gnomAD. It was detected with multiple pathogenic variants: p.R408W in 2 patients; p.L194P (PMID: 24350308); c.842+1G>A in 2 patients (PMID: 25952249). Computational prediction tools and conservation analysis support a deleterious effect. Another missense change at the same amino acid (p.Y277D), is pathogenic by 8 submitters. In summary, this variant meets criteria to be classified as pathogenic for PAH. PAH-specific ACMG/AMP criteria applied: PM3_strong, PM2, PM5, PP3, PP4

Labcorp Genetics (formerly Invitae), Labcorp
Classification: Pathogenic for Phenylketonuria. Last evaluated: 2022-08-31. Review status: criteria provided, single submitter. Criteria: Invitae Variant Classification Sherloc (09022015). Collection method: clinical testing. Allele origin: germline. Not counted in ClinVar's aggregate classification.
Comment: This variant disrupts the p.Tyr277 amino acid residue in PAH. Other variant(s) that disrupt this residue have been determined to be pathogenic (PMID: 2035532, 8268925, 8632937, 12173030, 12655546). This suggests that this residue is clinically significant, and that variants that disrupt this residue are likely to be disease-causing. Advanced modeling of protein sequence and biophysical properties (such as structural, functional, and spatial information, amino acid conservation, physicochemical variation, residue mobility, and thermodynamic stability) performed at Invitae indicates that this missense variant is expected to disrupt PAH protein function. ClinVar contains an entry for this variant (Variation ID: 102860). This missense change has been observed in individuals with phenylketonuria (PMID: 32668217). This variant is present in population databases (rs62516155, gnomAD 0.006%). This sequence change replaces tyrosine, which is neutral and polar, with cysteine, which is neutral and slightly polar, at codon 277 of the PAH protein (p.Tyr277Cys). For these reasons, this variant has been classified as Pathogenic.

Counsyl
Classification: Likely pathogenic for Phenylketonuria. Last evaluated: 2016-08-16. Review status: no assertion criteria provided. Collection method: clinical testing. Allele origin: unknown. Not counted in ClinVar's aggregate classification.

DeBelle Laboratory for Biochemical Genetics, MUHC/MCH RESEARCH INSTITUTE
No classification provided. Review status: no classification provided. Collection method: not provided. Allele origin: not provided. Not counted in ClinVar's aggregate classification.

Literature cited by the submitters: PubMed 16601866 (cited by ClinGen PAH Variant Curation Expert Panel and Counsyl); PubMed 2035532 (cited by Labcorp Genetics (formerly Invitae), Labcorp); PubMed 8268925 (cited by Labcorp Genetics (formerly Invitae), Labcorp); PubMed 8632937 (cited by Labcorp Genetics (formerly Invitae), Labcorp); PubMed 12173030 (cited by Labcorp Genetics (formerly Invitae), Labcorp); PubMed 12655546 (cited by Labcorp Genetics (formerly Invitae), Labcorp); PubMed 32668217 (cited by Labcorp Genetics (formerly Invitae), Labcorp); PubMed 7741023 (cited by Counsyl); PubMed 24350308 (cited by Counsyl); PubMed 25952249 (cited by Counsyl); PubMed 26655635 (cited by Counsyl); PubMed 12126628 (cited by Counsyl); PubMed 17924342 (cited by Counsyl).

NM_000277.3(PAH):c.830A>G (p.Tyr277Cys)

Gene: PAH (phenylalanine hydroxylase; minus strand). Cytogenetic location: 12q23.2.
Variant type: single nucleotide variant.
Coding change: c.830A>G on transcript NM_000277.3 (MANE Select); coding-DNA position 830, A replaced by G.
Protein change: p.Tyr277Cys; replaces tyrosine 277 with cysteine.
Molecular consequence: missense variant.
Genome position (GRCh38, 1-based): chr12:102,852,827, T>C on the plus strand (A>G on the coding strand, the complement: PAH is on the minus strand). VCF-style: chr12-102852827-T-C. GRCh37 (hg19) VCF-style: chr12-103246605-T-C.
Other names: NM_000277.2(PAH):c.830A>G; c.830A>G, p.Tyr277Cys (NM_001354304.2); short protein forms Y277C.
Identifiers: ClinVar variation 102860 (VCV000102860.8), dbSNP rs62516155, ClinGen allele CA229800.